The following is an entry in ClinVar:

ClinVar aggregate classification (germline): Uncertain significance (1 of 4 stars; one submission).

gnomAD v4.1: 4 of 1,613,984 alleles (0.00025%); highest among the groups gnomAD compares: Admixed American, 0.0017%; no homozygotes.

Submission:

Labcorp Genetics (formerly Invitae), Labcorp
Classification: Uncertain significance. Last evaluated: 2022-07-21. Review status: criteria provided, single submitter. Criteria: Invitae Variant Classification Sherloc (09022015). Collection method: clinical testing. Allele origin: germline.
Comment: This sequence change replaces arginine, which is basic and polar, with leucine, which is neutral and non-polar, at codon 608 of the WDR62 protein (p.Arg608Leu). This variant is present in population databases (rs774588484, gnomAD 0.003%). This variant has not been reported in the literature in individuals affected with WDR62-related conditions. Algorithms developed to predict the effect of missense changes on protein structure and function are either unavailable or do not agree on the potential impact of this missense change (SIFT: "Deleterious"; PolyPhen-2: "Probably Damaging"; Align-GVGD: "Class C0"). In summary, the available evidence is currently insufficient to determine the role of this variant in disease. Therefore, it has been classified as a Variant of Uncertain Significance.

NM_001083961.2(WDR62):c.1823G>T (p.Arg608Leu)

Gene: WDR62 (WD repeat domain 62; plus strand). Cytogenetic location: 19q13.12.
Variant type: single nucleotide variant.
Coding change: c.1823G>T on transcript NM_001083961.2 (MANE Select); coding-DNA position 1823, G replaced by T.
Protein change: p.Arg608Leu; replaces arginine 608 with leucine.
Molecular consequence: missense variant.
Genome position (GRCh38, 1-based): chr19:36,089,092, G>T. VCF-style: chr19-36089092-G-T. GRCh37 (hg19) VCF-style: chr19-36579994-G-T.
Other names: c.1808G>T, p.Arg603Leu (NM_001411145.1); c.1823G>T, p.Arg608Leu (NM_001411146.1, NM_173636.5); c.1472G>T, p.Arg491Leu (NM_001411147.1); short protein forms R491L, R603L, R608L.
Identifiers: ClinVar variation 2414685 (VCV002414685.5), dbSNP rs774588484, ClinGen allele CA9395738.